The following is an entry in ClinVar:

ClinVar aggregate classification (germline): Uncertain significance (1 of 4 stars; one submission).

Submission:

Labcorp Genetics (formerly Invitae), Labcorp
Classification: Uncertain significance. Last evaluated: 2022-08-31. Review status: criteria provided, single submitter. Criteria: Invitae Variant Classification Sherloc (09022015). Collection method: clinical testing. Allele origin: germline.
Comment: This variant has not been reported in the literature in individuals affected with ADGRE2-related conditions. This sequence change creates a premature translational stop signal (p.Ser78*) in the ADGRE2 gene. It is expected to result in an absent or disrupted protein product. However, the current clinical and genetic evidence is not sufficient to establish whether loss-of-function variants in ADGRE2 cause disease. This variant is not present in population databases (gnomAD no frequency). In summary, the available evidence is currently insufficient to determine the role of this variant in disease. Therefore, it has been classified as a Variant of Uncertain Significance.

NM_013447.4(ADGRE2):c.233C>A (p.Ser78Ter)

Gene: ADGRE2 (adhesion G protein-coupled receptor E2; minus strand). Cytogenetic location: 19p13.12.
Variant type: single nucleotide variant.
Coding change: c.233C>A on transcript NM_013447.4 (MANE Select); coding-DNA position 233, C replaced by A.
Protein change: p.Ser78Ter; replaces serine 78 with a stop codon.
Molecular consequence: nonsense.
Genome position (GRCh38, 1-based): chr19:14,772,464, G>T on the plus strand (C>A on the coding strand, the complement: ADGRE2 is on the minus strand). VCF-style: chr19-14772464-G-T. GRCh37 (hg19) VCF-style: chr19-14883276-G-T.
Other names: c.233C>A, p.Ser78Ter (NM_001271052.1, NM_152916.2, NM_152917.2); short protein forms S78*.
Identifiers: ClinVar variation 2025027 (VCV002025027.4), dbSNP rs139470594, ClinGen allele CA404464332.